The following is an entry in ClinVar:

ClinVar aggregate classification (germline): Uncertain significance. Review status: criteria provided, single submitter (1 of 4 stars). 3 submissions from 3 submitters: Uncertain significance (1). 2 of the submissions do not count toward it. Last evaluated 2021-11-19.

Allele frequency attached by ClinVar (database versions not stated): gnomAD 0.00001; gnomAD exomes 0.00001; TOPMed 0.00001.
gnomAD v4.1: 14 of 1,609,636 alleles (0.00087%); highest among the groups gnomAD compares: Non-Finnish European, 0.0012%; no homozygotes.

Submissions (3):

Labcorp Genetics (formerly Invitae), Labcorp
Classification: Uncertain significance. Last evaluated: 2021-11-19. Review status: criteria provided, single submitter. Criteria: Invitae Variant Classification Sherloc (09022015). Collection method: clinical testing. Allele origin: germline.
Comment: In summary, the available evidence is currently insufficient to determine the role of this variant in disease. Therefore, it has been classified as a Variant of Uncertain Significance. Algorithms developed to predict the effect of missense changes on protein structure and function are either unavailable or do not agree on the potential impact of this missense change (SIFT: "Deleterious"; PolyPhen-2: "Benign"; Align-GVGD: "Class C25"). ClinVar contains an entry for this variant (Variation ID: 1297553). This variant has not been reported in the literature in individuals affected with TUBGCP4-related conditions. This variant is present in population databases (rs543973163, gnomAD 0.003%). This sequence change replaces valine, which is neutral and non-polar, with alanine, which is neutral and non-polar, at codon 579 of the TUBGCP4 protein (p.Val579Ala).

Clinical Genetics DNA and cytogenetics Diagnostics Lab, Erasmus MC, Erasmus Medical Center
Classification: Uncertain significance. Review status: no assertion criteria provided. Collection method: clinical testing. Allele origin: germline. Affected: yes. Study: VKGL Data-share Consensus. Not counted in ClinVar's aggregate classification.

Joint Genome Diagnostic Labs from Nijmegen and Maastricht, Radboudumc and MUMC+
Classification: Uncertain significance. Review status: no assertion criteria provided. Collection method: clinical testing. Allele origin: germline. Affected: yes. Study: VKGL Data-share Consensus. Not counted in ClinVar's aggregate classification.

NM_014444.5(TUBGCP4):c.1733T>C (p.Val578Ala)

Genes: TP53BP1 (tumor protein p53 binding protein 1; minus strand), TUBGCP4 (tubulin gamma complex component 4; plus strand). Cytogenetic location: 15q15.3.
Variant type: single nucleotide variant.
Coding change: c.1733T>C on transcript NM_014444.5 (MANE Select); coding-DNA position 1733, T replaced by C.
Protein change: p.Val578Ala; replaces valine 578 with alanine.
Molecular consequence: missense variant. On other transcripts: 3 prime UTR variant (5).
Genome position (GRCh38, 1-based): chr15:43,403,684, T>C. VCF-style: chr15-43403684-T-C. GRCh37 (hg19) VCF-style: chr15-43695882-T-C.
Other names: c.1736T>C, p.Val579Ala (NM_001286414.3); c.*3699A>G (NM_001141979.3, NM_001141980.3, NM_001355001.2 and 2 more transcripts); short protein forms V578A, V579A.
Identifiers: ClinVar variation 1297553 (VCV001297553.7), dbSNP rs543973163, ClinGen allele CA270001469.